The following is an entry in ClinVar:

NM_006642.5(SDCCAG8):c.64C>G (p.Arg22Gly)

Gene: SDCCAG8 (SHH signaling and ciliogenesis regulator SDCCAG8; plus strand). Cytogenetic location: 1q43.
Variant type: single nucleotide variant.
Coding change: c.64C>G on transcript NM_006642.5 (MANE Select); coding-DNA position 64, C replaced by G.
Protein change: p.Arg22Gly; replaces arginine 22 with glycine.
Molecular consequence: missense variant. On other transcripts: 5 prime UTR variant (4).
Genome position (GRCh38, 1-based): chr1:243,256,237, C>G. VCF-style: chr1-243256237-C-G. GRCh37 (hg19) VCF-style: chr1-243419539-C-G.
Other names: c.-1049C>G (NM_001350246.2); c.-937C>G (NM_001350247.2); c.64C>G, p.Arg22Gly (NM_001350248.2); c.-244C>G (NM_001350249.2); c.-1310C>G (NM_001350251.2); short protein forms R22G.
Identifiers: ClinVar variation 3951287 (VCV003951287.2).

ClinVar aggregate classification (germline): Uncertain significance. Review status: criteria provided, multiple submitters, no conflicts (2 of 4 stars). 2 submissions from 2 submitters: Uncertain significance (2). Last evaluated 2025-05-04.

Conditions:
Inborn genetic diseases. Identifiers: MedGen C0950123, MeSH D030342.
SDCCAG8-related disorder. Also called: SDCCAG8-Related Disorders; SDCCAG8-related condition.

Submissions (2):

Ambry Genetics
Classification: Uncertain significance for Inborn genetic diseases. Last evaluated: 2025-05-04. Review status: criteria provided, single submitter. Criteria: Ambry Variant Classification Scheme 2023. Collection method: clinical testing. Allele origin: germline.

PreventionGenetics, part of Exact Sciences
Classification: Uncertain significance for SDCCAG8-related condition. Last evaluated: 2025-03-09. Review status: criteria provided, single submitter. Criteria: ACMG Guidelines, 2015. Collection method: clinical testing. Allele origin: germline.
Comment: The SDCCAG8 c.64C>G variant is predicted to result in the amino acid substitution p.Arg22Gly. To our knowledge, this variant has not been reported in the literature or in a large population database (gnomAD), indicating this variant is rare. At this time, the clinical significance of this variant is uncertain due to the absence of conclusive functional and genetic evidence.